The following is an entry in ClinVar:

ClinVar aggregate classification (germline): Uncertain significance. Review status: criteria provided, multiple submitters, no conflicts (2 of 4 stars). 2 submissions from 2 submitters: Uncertain significance (2). Last evaluated 2025-08-18.

Conditions:
Inborn genetic diseases. Identifiers: MedGen C0950123, MeSH D030342.
Charcot-Marie-Tooth disease axonal type 2O. Also called: Charcot-Marie-Tooth disease, axonal, type 20; CHARCOT-MARIE-TOOTH NEUROPATHY, AXONAL, TYPE 2O; CHARCOT-MARIE-TOOTH DISEASE, AXONAL, AUTOSOMAL DOMINANT, TYPE 2O; Charcot-Marie-Tooth Neuropathy Type 2O. Identifiers: Orphanet 284232, MedGen C3280220, MONDO:0013644, OMIM 614228.

Submissions (2):

Labcorp Genetics (formerly Invitae), Labcorp
Classification: Uncertain significance for Charcot-Marie-Tooth disease axonal type 2O. Last evaluated: 2025-08-18. Review status: criteria provided, single submitter. Criteria: Invitae Variant Classification Sherloc (09022015). Collection method: clinical testing. Allele origin: germline.
Comment: This sequence change replaces histidine, which is basic and polar, with tyrosine, which is neutral and polar, at codon 2171 of the DYNC1H1 protein (p.His2171Tyr). This variant is not present in population databases (gnomAD no frequency). This variant has not been reported in the literature in individuals affected with DYNC1H1-related conditions. ClinVar contains an entry for this variant (Variation ID: 408983). Invitae Evidence Modeling of protein sequence and biophysical properties (such as structural, functional, and spatial information, amino acid conservation, physicochemical variation, residue mobility, and thermodynamic stability) indicates that this missense variant is not expected to disrupt DYNC1H1 protein function with a negative predictive value of 95%. In summary, the available evidence is currently insufficient to determine the role of this variant in disease. Therefore, it has been classified as a Variant of Uncertain Significance.

Ambry Genetics
Classification: Uncertain significance for Inborn genetic diseases. Last evaluated: 2020-02-20. Review status: criteria provided, single submitter. Criteria: Ambry Variant Classification Scheme 2023. Collection method: clinical testing. Allele origin: germline.
Comment: The p.H2171Y variant (also known as c.6511C>T), located in coding exon 32 of the DYNC1H1 gene, results from a C to T substitution at nucleotide position 6511. The histidine at codon 2171 is replaced by tyrosine, an amino acid with similar properties. This amino acid position is well conserved in available vertebrate species. In addition, this alteration is predicted to be tolerated by in silico analysis. Since supporting evidence is limited at this time, the clinical significance of this alteration remains unclear.

NM_001376.5(DYNC1H1):c.6511C>T (p.His2171Tyr)

Gene: DYNC1H1 (dynein cytoplasmic 1 heavy chain 1; plus strand). Cytogenetic location: 14q32.31.
Variant type: single nucleotide variant.
Coding change: c.6511C>T on transcript NM_001376.5 (MANE Select); coding-DNA position 6511, C replaced by T.
Protein change: p.His2171Tyr; replaces histidine 2171 with tyrosine.
Molecular consequence: missense variant.
Genome position (GRCh38, 1-based): chr14:102,010,845, C>T. VCF-style: chr14-102010845-C-T. GRCh37 (hg19) VCF-style: chr14-102477182-C-T.
Other names: short protein forms H2171Y.
Identifiers: ClinVar variation 408983 (VCV000408983.10), dbSNP rs1060502208, ClinGen allele CA16614091.
Genomic context (GRCh38, chr14:102,010,845, plus strand): 5'-GCAGAGGACATCCCGCTGCTCTTCAGCCTCCTGTCGGACGTGTTCCCTGGAGTCCAGTAT[C>T]ACAGGGGTGAGATGACTGCCCTTCGAGAGGAGCTGAAGAAAGTGTGTCAGGAGATGTATT-3'
Protein context (NP_001367.2, residues 2161-2181): LSDVFPGVQY[His2171Tyr]RGEMTALREE